The following is an entry in ClinVar:

ClinVar aggregate classification (germline): Uncertain significance. Review status: criteria provided, multiple submitters, no conflicts (2 of 4 stars). 2 submissions from 2 submitters: Uncertain significance (2). Last evaluated 2025-10-28.

Conditions:
Inborn genetic diseases. Identifiers: MedGen C0950123, MeSH D030342.

Allele frequency attached by ClinVar (database versions not stated): gnomAD 0.00005; TOPMed 0.00005; ExAC 0.00007; gnomAD exomes 0.00012.
gnomAD v4.1: 182 of 1,612,860 alleles (0.011%); highest among the groups gnomAD compares: Non-Finnish European, 0.015%; no homozygotes.

Submissions (2):

Ambry Genetics
Classification: Uncertain significance for Inborn genetic diseases. Last evaluated: 2025-10-28. Review status: criteria provided, single submitter. Criteria: Ambry Variant Classification Scheme 2023. Collection method: clinical testing. Allele origin: germline.

Labcorp Genetics (formerly Invitae), Labcorp
Classification: Uncertain significance. Last evaluated: 2025-03-06. Review status: criteria provided, single submitter. Criteria: Invitae Variant Classification Sherloc (09022015). Collection method: clinical testing. Allele origin: germline.
Comment: This sequence change replaces isoleucine, which is neutral and non-polar, with leucine, which is neutral and non-polar, at codon 84 of the MYO3A protein (p.Ile84Leu). This variant is present in population databases (rs770359954, gnomAD 0.03%). This variant has not been reported in the literature in individuals affected with MYO3A-related conditions. ClinVar contains an entry for this variant (Variation ID: 2175262). An algorithm developed to predict the effect of missense changes on protein structure and function (PolyPhen-2) suggests that this variant is likely to be tolerated. In summary, the available evidence is currently insufficient to determine the role of this variant in disease. Therefore, it has been classified as a Variant of Uncertain Significance.

NM_017433.5(MYO3A):c.250A>T (p.Ile84Leu)

Gene: MYO3A (myosin IIIA; plus strand). Cytogenetic location: 10p12.1.
Variant type: single nucleotide variant.
Coding change: c.250A>T on transcript NM_017433.5 (MANE Select); coding-DNA position 250, A replaced by T.
Protein change: p.Ile84Leu; replaces isoleucine 84 with leucine.
Molecular consequence: missense variant.
Genome position (GRCh38, 1-based): chr10:25,954,955, A>T. VCF-style: chr10-25954955-A-T. GRCh37 (hg19) VCF-style: chr10-26243884-A-T.
Other names: c.250A>T, p.Ile84Leu (NM_001368265.1); c.250A>T (NM_017433.4); short protein forms I84L.
Identifiers: ClinVar variation 2175262 (VCV002175262.6), dbSNP rs770359954, ClinGen allele CA5444239.